The following is an entry in ClinVar:

NM_007194.4(CHEK2):c.*6G>C

Gene: CHEK2 (checkpoint kinase 2; minus strand). Cytogenetic location: 22q12.1.
Variant type: single nucleotide variant.
Coding change: c.*6G>C on transcript NM_007194.4 (MANE Select); 6 bases downstream of the stop codon, G replaced by C.
Molecular consequence: 3 prime UTR variant.
Genome position (GRCh38, 1-based): chr22:28,687,891, C>G on the plus strand (G>C on the coding strand, the complement: CHEK2 is on the minus strand). VCF-style: chr22-28687891-C-G. GRCh37 (hg19) VCF-style: chr22-29083879-C-G.
Other names: c.*6G>C (NM_001005735.3, NM_001257387.3, NM_001349956.3 and 1 more transcripts).
Identifiers: ClinVar variation 3772834 (VCV003772834.1).
Genomic context (GRCh38, chr22:28,687,891, plus strand): 5'-ACTCAAAGAAAAGAAAGATGACAGAGTGAAAGAAGGTACATTTCTTTCGTGTTCAAACCA[C>G]GGAGTTCACAACACAGCAGCACACACAGCTGGGCGCTTTGTGGTCTCGGCACCCTCGGCT-3'

ClinVar aggregate classification (germline): Benign (1 of 4 stars; one submission).

Conditions:
Familial cancer of breast. Also called: Hereditary breast cancer; BREAST CANCER, FAMILIAL; hereditary breast carcinoma. Identifiers: Orphanet 227535, MedGen C0346153, MONDO:0016419, OMIM 114480. Disease mechanism: loss of function.

Submission:

Myriad Genetics, Inc.
Classification: Benign for Familial cancer of breast. Last evaluated: 2024-10-09. Review status: criteria provided, single submitter. Criteria: Myriad Autosomal Dominant, Autosomal Recessive and X-Linked Classification Criteria (2023). Collection method: clinical testing. Allele origin: unknown.
Comment: This variant is considered benign. This variant occurs in the non-coding 3' untranslated region of the gene, and is not expected to impact protein function.